The following is an entry in ClinVar:

NM_002471.4(MYH6):c.717C>T (p.Asn239=)

Gene: MYH6 (myosin heavy chain 6; minus strand). Cytogenetic location: 14q11.2.
Variant type: single nucleotide variant.
Coding change: c.717C>T on transcript NM_002471.4 (MANE Select); coding-DNA position 717, C replaced by T.
Protein change: p.Asn239=; no amino-acid change (asparagine 239 retained).
Molecular consequence: synonymous variant.
Genome position (GRCh38, 1-based): chr14:23,404,314, G>A on the plus strand (C>T on the coding strand, the complement: MYH6 is on the minus strand). VCF-style: chr14-23404314-G-A. GRCh37 (hg19) VCF-style: chr14-23873523-G-A.
Identifiers: ClinVar variation 1205198 (VCV001205198.14), dbSNP rs201599891, ClinGen allele CA7116058.

ClinVar aggregate classification (germline): Likely benign. Review status: criteria provided, multiple submitters, no conflicts (2 of 4 stars). 4 submissions from 4 submitters: Likely benign (4). Last evaluated 2025-11-29.

Conditions:
Cardiovascular phenotype. Identifiers: MedGen CN230736.
Hypertrophic cardiomyopathy 14. Identifiers: MedGen C2750467, MONDO:0013197, OMIM 613251.
MYH6-related disorder. Also called: MYH6-related condition; MYH6-Related Disorders.

Allele frequency attached by ClinVar (database versions not stated): gnomAD 0.00001; ExAC 0.00002; gnomAD exomes 0.00002; TOPMed 0.00007.
gnomAD v4.1: 30 of 1,614,112 alleles (0.0019%); highest among the groups gnomAD compares: Admixed American, 0.0067%; no homozygotes.

Submissions (4):

Labcorp Genetics (formerly Invitae), Labcorp
Classification: Likely benign for Hypertrophic cardiomyopathy 14. Last evaluated: 2025-11-29. Review status: criteria provided, single submitter. Criteria: Invitae Variant Classification Sherloc (09022015). Collection method: clinical testing. Allele origin: germline.

PreventionGenetics, part of Exact Sciences
Classification: Likely benign for MYH6-related condition. Last evaluated: 2025-06-06. Review status: criteria provided, single submitter. Criteria: ACMG Guidelines, 2015. Collection method: clinical testing. Allele origin: germline.
Comment: This variant is classified as likely benign based on ACMG/AMP sequence variant interpretation guidelines (Richards et al. 2015 PMID: 25741868, with internal and published modifications).

Ambry Genetics
Classification: Likely benign for Cardiovascular phenotype. Last evaluated: 2021-04-01. Review status: criteria provided, single submitter. Criteria: Ambry Variant Classification Scheme 2023. Collection method: clinical testing. Allele origin: germline.

GeneDx
Classification: Likely benign. Last evaluated: 2020-11-04. Review status: criteria provided, single submitter. Criteria: GeneDx Variant Classification Process June 2021. Collection method: clinical testing. Allele origin: germline. Affected: yes.